The following is an entry in ClinVar:

ClinVar aggregate classification (germline): Likely benign (1 of 4 stars; one submission).

Allele frequency attached by ClinVar (database versions not stated): gnomAD 0.00008; 1000 Genomes Project 0.00220.

Submission:

CeGaT Center for Human Genetics Tuebingen
Classification: Likely benign. Last evaluated: 2025-02-01. Review status: criteria provided, single submitter. Criteria: CeGaT Center For Human Genetics Tuebingen Variant Classification Criteria Version 2. Collection method: clinical testing. Allele origin: germline. Affected: yes. Observed: 3 variant alleles.
Comment: PRB3: BP4, BP7

NM_001394862.1(PRB3):c.258A>C (p.Gly86=)

Gene: PRB3 (proline rich protein BstNI subfamily 3; minus strand). Cytogenetic location: 12p13.2.
Variant type: single nucleotide variant.
Coding change: c.258A>C on transcript NM_001394862.1 (MANE Select); coding-DNA position 258, A replaced by C.
Protein change: p.Gly86=; no amino-acid change (glycine 86 retained).
Molecular consequence: synonymous variant.
Genome position (GRCh38, 1-based): chr12:11,267,991, T>G on the plus strand (A>C on the coding strand, the complement: PRB3 is on the minus strand). VCF-style: chr12-11267991-T-G. GRCh37 (hg19) VCF-style: chr12-11420925-T-G.
Other names: c.258A>C, p.Gly86= (NM_006249.5).
Identifiers: ClinVar variation 2642713 (VCV002642713.24), dbSNP rs71455363, ClinGen allele CA6452210.